The following is an entry in ClinVar:

NM_006516.4(SLC2A1):c.418G>A (p.Val140Met)

Gene: SLC2A1 (solute carrier family 2 member 1; minus strand). Cytogenetic location: 1p34.2.
Variant type: single nucleotide variant.
Coding change: c.418G>A on transcript NM_006516.4 (MANE Select); coding-DNA position 418, G replaced by A.
Protein change: p.Val140Met; replaces valine 140 with methionine.
Molecular consequence: missense variant.
Genome position (GRCh38, 1-based): chr1:42,930,724, C>T on the plus strand (G>A on the coding strand, the complement: SLC2A1 is on the minus strand). VCF-style: chr1-42930724-C-T. GRCh37 (hg19) VCF-style: chr1-43396395-C-T.
Other names: short protein forms V140M.
Identifiers: ClinVar variation 372507 (VCV000372507.54), dbSNP rs1057517822, ClinGen allele CA16042396.

ClinVar aggregate classification (germline): Pathogenic. Review status: criteria provided, multiple submitters, no conflicts (2 of 4 stars). 5 submissions from 5 submitters: Pathogenic (5). Last evaluated 2024-10-15.

Conditions:
SLC2A1-related disorder. Also called: SLC2A1-related condition; SLC2A1-related disorders.
GLUT1 deficiency syndrome 1, autosomal recessive. Identifiers: MedGen C3149117.
Encephalopathy due to GLUT1 deficiency. Also called: GLUT1 deficiency syndrome 1, infantile onset, severe; De Vivo disease; GLUT1 deficiency syndrome 1; Glucose transporter protein syndrome; Classic Glucose Transporter Type 1 Deficiency Syndrome; GLUCOSE TRANSPORT DEFECT, BLOOD-BRAIN BARRIER. Identifiers: Orphanet 71277, MedGen C4551966, MONDO:0011724, OMIM 606777.

Submissions (5):

Labcorp Genetics (formerly Invitae), Labcorp
Classification: Pathogenic for GLUT1 deficiency syndrome 1, autosomal recessive. Last evaluated: 2024-10-15. Review status: criteria provided, single submitter. Criteria: Invitae Variant Classification Sherloc (09022015). Collection method: clinical testing. Allele origin: germline.
Comment: This sequence change replaces valine, which is neutral and non-polar, with methionine, which is neutral and non-polar, at codon 140 of the SLC2A1 protein (p.Val140Met). This variant is not present in population databases (gnomAD no frequency). This missense change has been observed in individual(s) with clinical features of autosomal dominant SLC2A1-related conditions (PMID: 18577546, 29356177, 29655203). In at least one individual the variant was observed to be de novo. ClinVar contains an entry for this variant (Variation ID: 372507). Invitae Evidence Modeling of protein sequence and biophysical properties (such as structural, functional, and spatial information, amino acid conservation, physicochemical variation, residue mobility, and thermodynamic stability) indicates that this missense variant is expected to disrupt SLC2A1 protein function with a positive predictive value of 95%. Experimental studies have shown that this missense change affects SLC2A1 function (PMID: 18577546). This variant disrupts the p.Val140 amino acid residue in SLC2A1. Other variant(s) that disrupt this residue have been determined to be pathogenic (PMID: 31273778; internal data). This suggests that this residue is clinically significant, and that variants that disrupt this residue are likely to be disease-causing. For these reasons, this variant has been classified as Pathogenic.

Blueprint Genetics
Classification: Pathogenic for SLC2A1-related disorders. Last evaluated: 2024-06-17. Review status: criteria provided, single submitter. Criteria: ACMG Guidelines, 2015. Collection method: clinical testing. Allele origin: germline. Affected: yes. Observed: 1 variant allele.

Genome-Nilou Lab
Classification: Pathogenic for Encephalopathy due to GLUT1 deficiency. Last evaluated: 2023-04-11. Review status: criteria provided, single submitter. Criteria: ACMG Guidelines, 2015. Collection method: clinical testing. Allele origin: germline. Affected: no.

GeneDx
Classification: Pathogenic. Last evaluated: 2022-06-21. Review status: criteria provided, single submitter. Criteria: GeneDx Variant Classification Process June 2021. Collection method: clinical testing. Allele origin: germline. Affected: yes.
Comment: Published functional studies demonstrate a damaging effect with impaired glucose uptake (Suls et al., 2008); Not observed at significant frequency in large population cohorts (gnomAD); In silico analysis supports that this missense variant does not alter protein structure/function; This variant is associated with the following publications: (PMID: 18577546, 25099510, 29356177, 30895386, 33163569, 35627257, 29655203, 28129950, 33860439)

CeGaT Center for Human Genetics Tuebingen
Classification: Pathogenic. Last evaluated: 2018-08-01. Review status: criteria provided, single submitter. Criteria: CeGaT Center For Human Genetics Tuebingen Variant Classification Criteria Version 2. Collection method: clinical testing. Allele origin: germline. Affected: yes. Observed: 1 variant allele.

Literature cited by the submitters: PubMed 18577546 (cited by Labcorp Genetics (formerly Invitae), Labcorp); PubMed 29356177 (cited by Labcorp Genetics (formerly Invitae), Labcorp); PubMed 29655203 (cited by Labcorp Genetics (formerly Invitae), Labcorp); PubMed 31273778 (cited by Labcorp Genetics (formerly Invitae), Labcorp).